The following is an entry in ClinVar:

ClinVar aggregate classification (germline): Pathogenic (1 of 4 stars; one submission).

Conditions:
Intellectual developmental disorder with behavioral abnormalities and craniofacial dysmorphism with or without seizures. Identifiers: MedGen C5231476, MONDO:0032883, OMIM 618725.

Submission:

Genetics Laboratory, UDIAT-Centre Diagnòstic, Hospital Universitari Parc Tauli
Classification: Pathogenic for Intellectual developmental disorder with behavioral abnormalities and craniofacial dysmorphism with or without seizures. Last evaluated: 2022-10-04. Review status: criteria provided, single submitter. Criteria: Parc Tauli Hospital Assertion Criteria 2021. Collection method: clinical testing. Allele origin: de novo. Inheritance: Autosomal dominant inheritance. Affected: yes.
Comment: PVS1;PM2_supporting;PM6

NM_001352027.3(PHF21A):c.76C>T (p.Gln26Ter)

Gene: PHF21A (PHD finger protein 21A; minus strand). Cytogenetic location: 11p11.2.
Variant type: single nucleotide variant.
Coding change: c.76C>T on transcript NM_001352027.3 (MANE Select); coding-DNA position 76, C replaced by T.
Protein change: p.Gln26Ter; replaces glutamine 26 with a stop codon.
Molecular consequence: nonsense. On other transcripts: non-coding transcript variant (2).
Genome position (GRCh38, 1-based): chr11:46,079,145, G>A on the plus strand (C>T on the coding strand, the complement: PHF21A is on the minus strand). VCF-style: chr11-46079145-G-A. GRCh37 (hg19) VCF-style: chr11-46100696-G-A.
Other names: c.76C>T, p.Gln26Ter (NM_001101802.3, NM_001352025.3, NM_001352026.3 and 6 more transcripts); short protein forms Q26*.
Identifiers: ClinVar variation 1708242 (VCV001708242.2), dbSNP rs2504489983, ClinGen allele CA380417652.
Genomic context (GRCh38, chr11:46,079,145, plus strand): 5'-AAATTATTTTTAAATTTAACAATTAAATGAATAACAATAGTAGTTTTACCTGTGGATCCT[G>A]CTTCATTTGAGCAACCAGTTTCTGGTAATAAAGAGAGAAAAAGAGCCATCAGTCTTACAT-3'